The following is an entry in ClinVar:

ClinVar aggregate classification (germline): Uncertain significance (1 of 4 stars; one submission).

Conditions:
Neurofibromatosis, type 1 (NF1). Also called: VON RECKLINGHAUSEN DISEASE; Peripheral type neurofibromatosis; NEUROFIBROMATOSIS, TYPE I, SOMATIC; Neurofibromatosis, type I. Identifiers: Orphanet 636, MedGen C0027831, MONDO:0018975, OMIM 162200. Disease mechanism: loss of function.

Submission:

Labcorp Genetics (formerly Invitae), Labcorp
Classification: Uncertain significance for Neurofibromatosis, type 1. Last evaluated: 2024-03-03. Review status: criteria provided, single submitter. Criteria: Invitae Variant Classification Sherloc (09022015). Collection method: clinical testing. Allele origin: germline.
Comment: This sequence change replaces valine, which is neutral and non-polar, with leucine, which is neutral and non-polar, at codon 13 of the NF1 protein (p.Val13Leu). This variant is not present in population databases (gnomAD no frequency). This variant has not been reported in the literature in individuals affected with NF1-related conditions. Advanced modeling of protein sequence and biophysical properties (such as structural, functional, and spatial information, amino acid conservation, physicochemical variation, residue mobility, and thermodynamic stability) performed at Invitae indicates that this missense variant is not expected to disrupt NF1 protein function with a negative predictive value of 95%. In summary, the available evidence is currently insufficient to determine the role of this variant in disease. Therefore, it has been classified as a Variant of Uncertain Significance.

NM_001042492.3(NF1):c.37G>C (p.Val13Leu)

Genes: MIR4733HG (MIR4733 host gene; minus strand), NF1 (neurofibromin 1; plus strand), LOC111811965 (NF1 (neurofibromin 1) promoter region; plus strand). Cytogenetic location: 17q11.2.
Variant type: single nucleotide variant.
Coding change: c.37G>C on transcript NM_001042492.3 (MANE Select); coding-DNA position 37, G replaced by C.
Protein change: p.Val13Leu; replaces valine 13 with leucine.
Molecular consequence: missense variant. On other transcripts: non-coding transcript variant (1).
Genome position (GRCh38, 1-based): chr17:31,095,346, G>C. VCF-style: chr17-31095346-G-C. GRCh37 (hg19) VCF-style: chr17-29422364-G-C.
Other names: c.37G>C, p.Val13Leu (NM_000267.4, NM_001128147.3); short protein forms V13L.
Identifiers: ClinVar variation 3634474 (VCV003634474.2).